The following is an entry in ClinVar:

ClinVar aggregate classification (germline): Likely benign. Review status: criteria provided, multiple submitters, no conflicts (2 of 4 stars). 4 submissions from 4 submitters: Likely benign (3). 1 of the submissions does not count toward it. Last evaluated 2025-07-21.

Conditions:
PNPT1-related disorder. Also called: PNPT1-related condition; PNPT1-related disorders.

Allele frequency attached by ClinVar (database versions not stated): ExAC 0.00001; gnomAD 0.00001; gnomAD exomes 0.00001 and 0.00002; TOPMed 0.00003.

Submissions (4):

Labcorp Genetics (formerly Invitae), Labcorp
Classification: Likely benign. Last evaluated: 2025-07-21. Review status: criteria provided, single submitter. Criteria: Invitae Variant Classification Sherloc (09022015). Collection method: clinical testing. Allele origin: germline.

Blueprint Genetics
Classification: Likely benign. Last evaluated: 2023-10-06. Review status: criteria provided, single submitter. Criteria: ACMG Guidelines, 2015. Collection method: clinical testing. Allele origin: germline.

GeneDx
Classification: Likely benign. Last evaluated: 2020-01-21. Review status: criteria provided, single submitter. Criteria: GeneDx Variant Classification Process June 2021. Collection method: clinical testing. Allele origin: germline. Affected: yes.

PreventionGenetics, part of Exact Sciences
Classification: Likely benign for PNPT1-related condition. Last evaluated: 2020-01-07. Review status: no assertion criteria provided. Collection method: clinical testing. Allele origin: germline. Not counted in ClinVar's aggregate classification.
Comment: This variant is classified as likely benign based on ACMG/AMP sequence variant interpretation guidelines (Richards et al. 2015 PMID: 25741868, with internal and published modifications).

NM_033109.5(PNPT1):c.192C>G (p.Ala64=)

Gene: PNPT1 (polyribonucleotide nucleotidyltransferase 1; minus strand). Cytogenetic location: 2p16.1.
Variant type: single nucleotide variant.
Coding change: c.192C>G on transcript NM_033109.5 (MANE Select); coding-DNA position 192, C replaced by G.
Protein change: p.Ala64=; no amino-acid change (alanine 64 retained).
Molecular consequence: synonymous variant.
Genome position (GRCh38, 1-based): chr2:55,687,675, G>C on the plus strand (C>G on the coding strand, the complement: PNPT1 is on the minus strand). VCF-style: chr2-55687675-G-C. GRCh37 (hg19) VCF-style: chr2-55914810-G-C.
Identifiers: ClinVar variation 1191467 (VCV001191467.14), dbSNP rs748159230, ClinGen allele CA1668591.
Genomic context (GRCh38, chr2:55,687,675, plus strand): 5'-AGATGAATTTTAAAAATCTGGACTTTTTACCTGTACTACAGCAGAGCCATCTGCAAATCT[G>C]GCCAGCTTTCCAGAAGATATTTCTAATTTCCTGTTTAAAAATAAAAATGCAATACAAGAA-3'
Protein context (NP_149100.2, residues 54-74): RKLEISSGKL[Ala64=]RFADGSAVVQ